The following is an entry in ClinVar:

NM_003482.4(KMT2D):c.6998C>T (p.Pro2333Leu)

Gene: KMT2D (lysine methyltransferase 2D; minus strand). Cytogenetic location: 12q13.12.
Variant type: single nucleotide variant.
Coding change: c.6998C>T on transcript NM_003482.4 (MANE Select); coding-DNA position 6998, C replaced by T.
Protein change: p.Pro2333Leu; replaces proline 2333 with leucine.
Molecular consequence: missense variant.
Genome position (GRCh38, 1-based): chr12:49,040,772, G>A on the plus strand (C>T on the coding strand, the complement: KMT2D is on the minus strand). VCF-style: chr12-49040772-G-A. GRCh37 (hg19) VCF-style: chr12-49434555-G-A.
Other names: short protein forms P2333L.
Identifiers: ClinVar variation 767597 (VCV000767597.14), dbSNP rs377504041, ClinGen allele CA6547142.
Genomic context (GRCh38, chr12:49,040,772, plus strand): 5'-GGTGGCTCCTGGGGCCTTAGGCCCAAGCCCGGGCTCTGGGGCTCTACCTGAGATGCCCGA[G>A]GGGTCAGGGGGGCTTTGAAGACATCAGGTGTCTTTAACTCCAGGCCACCCAGGTGGGTGC-3'
Protein context (NP_003473.3, residues 2323-2343): TPDVFKAPLT[Pro2333Leu]RASQVEPQSP

ClinVar aggregate classification (germline): Conflicting classifications of pathogenicity. Review status: criteria provided, conflicting classifications (1 of 4 stars). 5 submissions from 5 submitters: Uncertain significance (1); Likely benign (3). 1 of the submissions does not count toward it. Last evaluated 2026-07-01.

Conditions:
Kabuki syndrome. Also called: NIIKAWA-KUROKI SYNDROME; Kabuki make-up syndrome. Identifiers: Orphanet 2322, MedGen C0796004, MONDO:0016512.
KMT2D-related disorder. Also called: KMT2D-Related Disorders.

Allele frequency attached by ClinVar (database versions not stated): ESP Exome Variant Server 0.00008; TOPMed 0.00011; gnomAD 0.00012 and 0.00013; gnomAD exomes 0.00012.

Submissions (5):

CeGaT Center for Human Genetics Tuebingen
Classification: Likely benign. Last evaluated: 2026-07-01. Review status: criteria provided, single submitter. Criteria: CeGaT Center For Human Genetics Tuebingen Variant Classification Criteria Version 2. Collection method: clinical testing. Allele origin: germline. Affected: yes. Observed: 1 variant allele.
Comment: KMT2D: BS2

Labcorp Genetics (formerly Invitae), Labcorp
Classification: Likely benign for Kabuki syndrome. Last evaluated: 2026-01-05. Review status: criteria provided, single submitter. Criteria: Invitae Variant Classification Sherloc (09022015). Collection method: clinical testing. Allele origin: germline.

Blueprint Genetics
Classification: Likely benign. Last evaluated: 2024-11-22. Review status: criteria provided, single submitter. Criteria: ACMG Guidelines, 2015. Collection method: clinical testing. Allele origin: germline.

GeneDx
Classification: Uncertain significance. Last evaluated: 2023-01-18. Review status: criteria provided, single submitter. Criteria: GeneDx Variant Classification Process June 2021. Collection method: clinical testing. Allele origin: germline. Affected: yes.
Comment: In silico analysis supports that this missense variant has a deleterious effect on protein structure/function; Has not been previously published as pathogenic or benign to our knowledge

PreventionGenetics, part of Exact Sciences
Classification: Likely benign for KMT2D-related condition. Last evaluated: 2023-11-20. Review status: no assertion criteria provided. Collection method: clinical testing. Allele origin: germline. Not counted in ClinVar's aggregate classification.
Comment: This variant is classified as likely benign based on ACMG/AMP sequence variant interpretation guidelines (Richards et al. 2015 PMID: 25741868, with internal and published modifications).